The following is an entry in ClinVar:

NM_002439.5(MSH3):c.2939G>A (p.Gly980Glu)

Gene: MSH3 (mutS homolog 3; plus strand). Cytogenetic location: 5q14.1.
Variant type: single nucleotide variant.
Coding change: c.2939G>A on transcript NM_002439.5 (MANE Select); coding-DNA position 2939, G replaced by A.
Protein change: p.Gly980Glu; replaces glycine 980 with glutamic acid.
Molecular consequence: missense variant.
Genome position (GRCh38, 1-based): chr5:80,854,255, G>A. VCF-style: chr5-80854255-G-A. GRCh37 (hg19) VCF-style: chr5-80150074-G-A.
Other names: c.2939G>A (NM_002439.3); short protein forms G980E.
Identifiers: ClinVar variation 837396 (VCV000837396.10), dbSNP rs1745879445, ClinGen allele CA360275734.

ClinVar aggregate classification (germline): Uncertain significance. Review status: criteria provided, multiple submitters, no conflicts (2 of 4 stars). 2 submissions from 2 submitters: Uncertain significance (2). Last evaluated 2025-01-07.

Conditions:
Hereditary cancer-predisposing syndrome. Also called: Neoplastic Syndromes, Hereditary; Tumor predisposition; Hereditary neoplastic syndrome; Hereditary Cancer Syndrome. Identifiers: Orphanet 140162, MedGen C0027672, MeSH D009386, MONDO:0015356.

Submissions (2):

Ambry Genetics
Classification: Uncertain significance for Hereditary cancer-predisposing syndrome. Last evaluated: 2025-01-07. Review status: criteria provided, single submitter. Criteria: Ambry Variant Classification Scheme 2023. Collection method: clinical testing. Allele origin: germline.
Comment: The p.G980E variant (also known as c.2939G>A), located in coding exon 21 of the MSH3 gene, results from a G to A substitution at nucleotide position 2939. The glycine at codon 980 is replaced by glutamic acid, an amino acid with similar properties. This amino acid position is conserved. In addition, this alteration is predicted to be deleterious by in silico analysis. Based on the available evidence, the clinical significance of this variant remains unclear.

Labcorp Genetics (formerly Invitae), Labcorp
Classification: Uncertain significance. Last evaluated: 2020-10-06. Review status: criteria provided, single submitter. Criteria: Invitae Variant Classification Sherloc (09022015). Collection method: clinical testing. Allele origin: germline.
Comment: This sequence change replaces glycine with glutamic acid at codon 980 of the MSH3 protein (p.Gly980Glu). The glycine residue is moderately conserved and there is a moderate physicochemical difference between glycine and glutamic acid. This variant is not present in population databases (ExAC no frequency). This variant has not been reported in the literature in individuals with MSH3-related conditions. Algorithms developed to predict the effect of missense changes on protein structure and function are either unavailable or do not agree on the potential impact of this missense change (SIFT: "Deleterious"; PolyPhen-2: "Probably Damaging"; Align-GVGD: "Class C0"). In summary, the available evidence is currently insufficient to determine the role of this variant in disease. Therefore, it has been classified as a Variant of Uncertain Significance.